The following is an entry in ClinVar:

ClinVar aggregate classification (germline): Conflicting classifications of pathogenicity. Review status: criteria provided, conflicting classifications (1 of 4 stars). 2 submissions from 2 submitters: Uncertain significance (1); Likely benign (1). Last evaluated 2023-03-23.

Conditions:
Hereditary cancer-predisposing syndrome. Also called: Hereditary neoplastic syndrome; Neoplastic Syndromes, Hereditary; Hereditary Cancer Syndrome; Tumor predisposition. Identifiers: Orphanet 140162, MedGen C0027672, MeSH D009386, MONDO:0015356.
Hereditary breast ovarian cancer syndrome. Also called: Hereditary breast and/or ovarian cancer syndrome; Hereditary breast and ovarian cancer syndrome (HBOC); Breast and ovarian cancer; Hereditary breast and ovarian cancer; Hereditary breast and ovarian cancer syndrome; BRCA1- and BRCA2-Associated Hereditary Breast and Ovarian Cancer. Identifiers: Orphanet 145, MedGen C0677776, MeSH D061325, MONDO:0003582. Disease mechanism: loss of function.

Submissions (2):

University of Washington Department of Laboratory Medicine, University of Washington
Classification: Likely benign for Hereditary cancer-predisposing syndrome. Last evaluated: 2023-03-23. Review status: criteria provided, single submitter. Criteria: Dines et al. (Genet Med. 2020). Collection method: curation. Allele origin: germline.
Comment: Missense variant in a coldspot region where missense variants are very unlikely to be pathogenic (PMID:31911673).

BRCA2 exon 11 coldspot. Reclassification based on statistical prior probability.

Labcorp Genetics (formerly Invitae), Labcorp
Classification: Uncertain significance for Hereditary breast ovarian cancer syndrome. Last evaluated: 2021-11-23. Review status: criteria provided, single submitter. Criteria: Invitae Variant Classification Sherloc (09022015). Collection method: clinical testing. Allele origin: germline.
Comment: In summary, the available evidence is currently insufficient to determine the role of this variant in disease. Therefore, it has been classified as a Variant of Uncertain Significance. Advanced modeling of protein sequence and biophysical properties (such as structural, functional, and spatial information, amino acid conservation, physicochemical variation, residue mobility, and thermodynamic stability) performed at Invitae indicates that this missense variant is not expected to disrupt BRCA2 protein function. This variant has not been reported in the literature in individuals affected with BRCA2-related conditions. This variant is not present in population databases (gnomAD no frequency). This sequence change replaces glycine, which is neutral and non-polar, with arginine, which is basic and polar, at codon 2168 of the BRCA2 protein (p.Gly2168Arg).

NM_000059.4(BRCA2):c.6502G>C (p.Gly2168Arg)

Gene: BRCA2 (BRCA2 DNA repair associated; plus strand). Cytogenetic location: 13q13.1.
Variant type: single nucleotide variant.
Coding change: c.6502G>C on transcript NM_000059.4 (MANE Select); coding-DNA position 6502, G replaced by C.
Protein change: p.Gly2168Arg; replaces glycine 2168 with arginine.
Molecular consequence: missense variant.
Genome position (GRCh38, 1-based): chr13:32,340,857, G>C. VCF-style: chr13-32340857-G-C. GRCh37 (hg19) VCF-style: chr13-32914994-G-C.
Other names: short protein forms G2168R.
Identifiers: ClinVar variation 1488694 (VCV001488694.7), dbSNP rs886040660, ClinGen allele CA387789547.